The following is an entry in ClinVar:

NM_004523.4(KIF11):c.355del (p.Arg119fs)

Gene: KIF11 (kinesin family member 11; plus strand). Cytogenetic location: 10q23.33.
Variant type: Deletion.
Coding change: c.355del on transcript NM_004523.4 (MANE Select); coding-DNA position 355, one base deleted (A; older notation c.355delA).
Protein change: p.Arg119fs; shifts the reading frame from arginine 119.
Molecular consequence: frameshift variant.
Genome position (GRCh38, 1-based): chr10:92,607,205, A deleted; the last of 3 consecutive A bases (chr10:92,607,203-92,607,205); deleting any one gives the same sequence. VCF-style (leftmost placement, unchanged base first): chr10-92607202-GA-G. GRCh37 (hg19) VCF-style: chr10-94366959-GA-G.
Other names: short protein forms R119fs.
Identifiers: ClinVar variation 545928 (VCV000545928.2), dbSNP rs1554859399, ClinGen allele CA658823117.
Genomic context (GRCh38, chr10:92,607,202, plus strand): 5'-CTTGTTAATCTTTACAGGTATGGCCAAACTGGCACTGGAAAAACTTTTACAATGGAAGGT[GA>G]AAGGTCACCTAATGAAGAGTATACCTGGGAAGAGGTATTTATTGTTTATAACATACTTTT-3'

ClinVar aggregate classification (germline): Likely pathogenic (1 of 4 stars; one submission).

Submission:

GeneDx
Classification: Likely pathogenic. Last evaluated: 2018-05-17. Review status: criteria provided, single submitter. Criteria: GeneDx Variant Classification (06012015). Collection method: clinical testing. Allele origin: germline. Affected: yes.
Comment: The c.355delA variant has not been published as a pathogenic variant, nor has it been reported as a benign variant to our knowledge. The c.355delA variant causes a frameshift starting with codon Arginine 119, changes this amino acid to a Glycine residue, and creates a premature Stop codon at position 17 of the new reading frame, denoted p.Arg119GlyfsX17. This variant is predicted to cause loss of normal protein function either through protein truncation or nonsense-mediated mRNA decay. Furthermore, the c.355delA variant is not observed in large population cohorts (Lek et al., 2016). Therefore, this variant is likely pathogenic; however, the possibility that it is benign cannot be excluded.